The following is an entry in ClinVar:

ClinVar aggregate classification (germline): Uncertain significance. Review status: criteria provided, single submitter (1 of 4 stars). 2 submissions from 2 submitters: Uncertain significance (1). 1 of the submissions does not count toward it. Last evaluated 2024-08-19.

Conditions:
Pseudohypoaldosteronism type 2D (PHA2D). Also called: FAMILIAL HYPERKALEMIC HYPERTENSION; PSEUDOHYPOALDOSTERONISM, TYPE IID, AUTOSOMAL DOMINANT OR RECESSIVE; Pseudohypoaldosteronism Type IID. Identifiers: Orphanet 300525, Orphanet 757, MedGen C3469605, MONDO:0013781, OMIM 614495.

gnomAD v4.1: 2 of 1,614,188 alleles (0.00012%); highest among the groups gnomAD compares: East Asian, 0.0022%; no homozygotes.

Submissions (2):

Labcorp Genetics (formerly Invitae), Labcorp
Classification: Uncertain significance. Last evaluated: 2024-08-19. Review status: criteria provided, single submitter. Criteria: Invitae Variant Classification Sherloc (09022015). Collection method: clinical testing. Allele origin: germline.
Comment: This sequence change replaces valine, which is neutral and non-polar, with isoleucine, which is neutral and non-polar, at codon 507 of the KLHL3 protein (p.Val507Ile). This variant is not present in population databases (gnomAD no frequency). This variant has not been reported in the literature in individuals affected with KLHL3-related conditions. ClinVar contains an entry for this variant (Variation ID: 217888). Invitae Evidence Modeling of protein sequence and biophysical properties (such as structural, functional, and spatial information, amino acid conservation, physicochemical variation, residue mobility, and thermodynamic stability) indicates that this missense variant is not expected to disrupt KLHL3 protein function with a negative predictive value of 80%. In summary, the available evidence is currently insufficient to determine the role of this variant in disease. Therefore, it has been classified as a Variant of Uncertain Significance.

Mendelics
Classification: Likely pathogenic for Pseudohypoaldosteronism type 2D. Last evaluated: 2014-08-18. Review status: no assertion criteria provided. Collection method: clinical testing. Allele origin: germline. Affected: yes. Not counted in ClinVar's aggregate classification.

Literature cited by the submitters: PubMed 22266938 (cited by Mendelics); PubMed 22406640 (cited by Mendelics).

NM_017415.3(KLHL3):c.1519G>A (p.Val507Ile)

Gene: KLHL3 (kelch like family member 3; minus strand). Cytogenetic location: 5q31.2.
Variant type: single nucleotide variant.
Coding change: c.1519G>A on transcript NM_017415.3 (MANE Select); coding-DNA position 1519, G replaced by A.
Protein change: p.Val507Ile; replaces valine 507 with isoleucine.
Molecular consequence: missense variant.
Genome position (GRCh38, 1-based): chr5:137,628,369, C>T on the plus strand (G>A on the coding strand, the complement: KLHL3 is on the minus strand). VCF-style: chr5-137628369-C-T. GRCh37 (hg19) VCF-style: chr5-136964058-C-T.
Other names: c.1423G>A, p.Val475Ile (NM_001257194.1); c.1273G>A, p.Val425Ile (NM_001257195.2); short protein forms V507I, V475I, V425I.
Identifiers: ClinVar variation 217888 (VCV000217888.3), dbSNP rs863225302, ClinGen allele CA279652.
Genomic context (GRCh38, chr5:137,628,369, plus strand): 5'-GGCACATGTTCATGTCTGCCACTTGCTTCCAGGTATTTGTTCCAGGATCGTAAACCTCAA[C>T]GCTCTTCCTCACCAAAGGCCCATCATGCCCACCTGTGGCGTACAGCTGTCCGCTAAGCAC-3'
Protein context (NP_059111.2, residues 497-517): GHDGPLVRKS[Val507Ile]EVYDPGTNTW